The following is an entry in ClinVar:

ClinVar aggregate classification (germline): Uncertain significance (1 of 4 stars; one submission).

Conditions:
Spastic paraplegia. Identifiers: MedGen C0037772, HP:0001258.

Allele frequency attached by ClinVar (database versions not stated): TOPMed below 0.00001; ExAC 0.00001; gnomAD exomes 0.00001.
gnomAD v4.1: 4 of 1,614,184 alleles (0.00025%); highest among the groups gnomAD compares: South Asian, 0.0022%; no homozygotes.

Submission:

Labcorp Genetics (formerly Invitae), Labcorp
Classification: Uncertain significance for Spastic paraplegia. Last evaluated: 2022-10-25. Review status: criteria provided, single submitter. Criteria: Invitae Variant Classification Sherloc (09022015). Collection method: clinical testing. Allele origin: germline.
Comment: Algorithms developed to predict the effect of missense changes on protein structure and function (SIFT, PolyPhen-2, Align-GVGD) all suggest that this variant is likely to be tolerated. This sequence change replaces alanine, which is neutral and non-polar, with valine, which is neutral and non-polar, at codon 1373 of the ZFYVE26 protein (p.Ala1373Val). This variant is present in population databases (rs772325933, gnomAD 0.003%). This variant has not been reported in the literature in individuals affected with ZFYVE26-related conditions. ClinVar contains an entry for this variant (Variation ID: 1513291). In summary, the available evidence is currently insufficient to determine the role of this variant in disease. Therefore, it has been classified as a Variant of Uncertain Significance.

NM_015346.4(ZFYVE26):c.4118C>T (p.Ala1373Val)

Gene: ZFYVE26 (zinc finger FYVE-type containing 26; minus strand). Cytogenetic location: 14q24.1.
Variant type: single nucleotide variant.
Coding change: c.4118C>T on transcript NM_015346.4 (MANE Select); coding-DNA position 4118, C replaced by T.
Protein change: p.Ala1373Val; replaces alanine 1373 with valine.
Molecular consequence: missense variant.
Genome position (GRCh38, 1-based): chr14:67,783,034, G>A on the plus strand (C>T on the coding strand, the complement: ZFYVE26 is on the minus strand). VCF-style: chr14-67783034-G-A. GRCh37 (hg19) VCF-style: chr14-68249751-G-A.
Other names: short protein forms A1373V.
Identifiers: ClinVar variation 1513291 (VCV001513291.8), dbSNP rs772325933, ClinGen allele CA7239830.